The following is an entry in ClinVar:

ClinVar aggregate classification (germline): Uncertain significance. Review status: criteria provided, multiple submitters, no conflicts (2 of 4 stars). 2 submissions from 2 submitters: Uncertain significance (2). Last evaluated 2025-05-26.

Conditions:
Pitt-Hopkins-like syndrome 2 (PTHSL2). Identifiers: Orphanet 221150, Orphanet 600663, MedGen C3280479, MONDO:0013690, OMIM 614325.

Allele frequency attached by ClinVar (database versions not stated): gnomAD exomes below 0.00001.
gnomAD v4.1: 3 of 1,613,780 alleles (0.00019%); highest among the groups gnomAD compares: Middle Eastern, 0.016%; no homozygotes.

Submissions (2):

Labcorp Genetics (formerly Invitae), Labcorp
Classification: Uncertain significance for Pitt-Hopkins-like syndrome 2. Last evaluated: 2025-05-26. Review status: criteria provided, single submitter. Criteria: Invitae Variant Classification Sherloc (09022015). Collection method: clinical testing. Allele origin: germline.
Comment: This sequence change replaces arginine, which is basic and polar, with glutamine, which is neutral and polar, at codon 895 of the NRXN1 protein (p.Arg895Gln). This variant is not present in population databases (gnomAD no frequency). This missense change has been observed in individual(s) with neurodevelopmental disorder (PMID: 33004838). ClinVar contains an entry for this variant (Variation ID: 206247). An algorithm developed to predict the effect of missense changes on protein structure and function (PolyPhen-2) suggests that this variant is likely to be disruptive. In summary, the available evidence is currently insufficient to determine the role of this variant in disease. Therefore, it has been classified as a Variant of Uncertain Significance.

MVZ Martinsried, Medicover Genetics
Classification: Uncertain significance for Pitt-Hopkins-like syndrome 2. Last evaluated: 2017-02-07. Review status: criteria provided, single submitter. Criteria: ACMG Guidelines, 2015. Collection method: clinical testing. Allele origin: maternal. Affected: yes.

Literature cited by the submitters: PubMed 33004838 (cited by Labcorp Genetics (formerly Invitae), Labcorp).

NM_001330078.2(NRXN1):c.2564G>A (p.Arg855Gln)

Gene: NRXN1 (neurexin 1; minus strand). Cytogenetic location: 2p16.3.
Variant type: single nucleotide variant.
Coding change: c.2564G>A on transcript NM_001330078.2 (MANE Select); coding-DNA position 2564, G replaced by A.
Protein change: p.Arg855Gln; replaces arginine 855 with glutamine.
Molecular consequence: missense variant.
Genome position (GRCh38, 1-based): chr2:50,497,648, C>T on the plus strand (G>A on the coding strand, the complement: NRXN1 is on the minus strand). VCF-style: chr2-50497648-C-T. GRCh37 (hg19) VCF-style: chr2-50724786-C-T.
Other names: c.2684G>A, p.Arg895Gln (NM_001135659.3); c.2540G>A, p.Arg847Gln (NM_001330077.2, NM_001330082.2); c.2498G>A, p.Arg833Gln (NM_001330083.2, NM_001330084.2); c.2537G>A, p.Arg846Gln (NM_001330085.2); c.2564G>A, p.Arg855Gln (NM_001330086.2, NM_004801.6); c.2453G>A, p.Arg818Gln (NM_001330087.2, NM_001330096.2); c.2483G>A, p.Arg828Gln (NM_001330088.2); c.2561G>A, p.Arg854Gln (NM_001330093.2); and 2 more; short protein forms R895Q, R818Q, R854Q, R855Q, R838Q, R851Q, R833Q, R847Q.
Identifiers: ClinVar variation 206247 (VCV000206247.12), dbSNP rs796052776, ClinGen allele CA316141.
Genomic context (GRCh38, chr2:50,497,648, plus strand): 5'-TTAAATGTCAAGCTCTGCAGGTGTCCAATGAAGTTGGAGGGGACAGAAGAAAGATACCGT[C>T]GTTCTGTGATGATGCCAGTCTCTATGTTATGGAACTCCAGCCTAGTATGATCACCTGCCA-3'
Protein context (NP_001317007.1, residues 845-865): HNIETGIITE[Arg855Gln]RYLSSVPSNF